The following is an entry in ClinVar:

ClinVar aggregate classification (germline): Uncertain significance. Review status: criteria provided, multiple submitters, no conflicts (2 of 4 stars). 3 submissions from 3 submitters: Uncertain significance (3). Last evaluated 2025-11-19.

Conditions:
Inborn genetic diseases. Identifiers: MedGen C0950123, MeSH D030342.
Malignant hyperthermia, susceptibility to, 1 (MHS1). Also called: Malignant hyperthermia suceptibility 1; Anesthesia related hyperthermia; Malignant hyperpyrexia; Fulminating hyperpyrexia; Pharmacogenic myopathy; RYR1-Related Malignant Hyperthermia Susceptibility. Identifiers: Orphanet 423, MedGen C2930980, MONDO:0007783, OMIM 145600.
RYR1-related disorder. Also called: RYR1-related condition; RYR1-related disorders. Identifiers: MedGen CN239331.

Allele frequency attached by ClinVar (database versions not stated): gnomAD exomes 0.00001; TOPMed 0.00003; gnomAD 0.00004.
gnomAD v4.1: 14 of 1,613,918 alleles (0.00087%); highest among the groups gnomAD compares: Admixed American, 0.023%; no homozygotes.

Submissions (3):

Labcorp Genetics (formerly Invitae), Labcorp
Classification: Uncertain significance for RYR1-related disorder. Last evaluated: 2025-11-19. Review status: criteria provided, single submitter. Criteria: Invitae Variant Classification Sherloc (09022015). Collection method: clinical testing. Allele origin: germline.
Comment: This sequence change replaces proline, which is neutral and non-polar, with serine, which is neutral and polar, at codon 2172 of the RYR1 protein (p.Pro2172Ser). This variant is present in population databases (no rsID available, gnomAD 0.006%). This variant has not been reported in the literature in individuals affected with RYR1-related conditions. ClinVar contains an entry for this variant (Variation ID: 2289946). Invitae Evidence Modeling of protein sequence and biophysical properties (such as structural, functional, and spatial information, amino acid conservation, physicochemical variation, residue mobility, and thermodynamic stability) indicates that this missense variant is not expected to disrupt RYR1 protein function with a negative predictive value of 80%. In summary, the available evidence is currently insufficient to determine the role of this variant in disease. Therefore, it has been classified as a Variant of Uncertain Significance.

Ambry Genetics
Classification: Uncertain significance for Inborn genetic diseases. Last evaluated: 2025-10-29. Review status: criteria provided, single submitter. Criteria: Ambry Variant Classification Scheme 2023. Collection method: clinical testing. Allele origin: germline.

All of Us Research Program, National Institutes of Health
Classification: Uncertain significance for Malignant hyperthermia, susceptibility to, 1. Last evaluated: 2024-02-22. Review status: criteria provided, single submitter. Criteria: ACMG Guidelines, 2015. Collection method: clinical testing. Allele origin: germline. Inheritance: Autosomal dominant inheritance. Observed: 1 variant allele, 1 heterozygote.
Comment: This missense variant replaces proline with serine at codon 2172 of the RYR1 protein. Computational prediction suggests that this variant may not impact protein structure and function (internally defined REVEL score threshold <= 0.5, PMID: 27666373). To our knowledge, functional studies have not been reported for this variant. This variant has not been reported in individuals affected with RYR1-related disorders in the literature. This variant has been identified in 2/249922 chromosomes in the general population by the Genome Aggregation Database (gnomAD). The available evidence is insufficient to determine the role of this variant in disease conclusively. Therefore, this variant is classified as a Variant of Uncertain Significance.

This study involves interpretation of variants in research participants for the purpose of population health screening. Participant phenotype was not available at the time of variant classification. Additional details can be found in publication PMID: 35346344, PMCID: PMC8962531

NM_000540.3(RYR1):c.6514C>T (p.Pro2172Ser)

Gene: RYR1 (ryanodine receptor 1; plus strand). Cytogenetic location: 19q13.2.
Variant type: single nucleotide variant.
Coding change: c.6514C>T on transcript NM_000540.3 (MANE Select); coding-DNA position 6514, C replaced by T.
Protein change: p.Pro2172Ser; replaces proline 2172 with serine.
Molecular consequence: missense variant.
Genome position (GRCh38, 1-based): chr19:38,494,591, C>T. VCF-style: chr19-38494591-C-T. GRCh37 (hg19) VCF-style: chr19-38985231-C-T.
Other names: c.6514C>T, p.Pro2172Ser (NM_001042723.2); short protein forms P2172S.
Identifiers: ClinVar variation 2289946 (VCV002289946.5), dbSNP rs1310926176, ClinGen allele CA405664382.